The following is an entry in ClinVar:

ClinVar aggregate classification (germline): Pathogenic (1 of 4 stars; one submission).

Conditions:
Neuromuscular disease caused by qualitative or quantitative defects of dystrophin. Also called: Qualitative or quantitative defects of dystrophin. Identifiers: Orphanet 207085, MedGen C5679787, MONDO:0016147.

Submission:

Women's Health and Genetics/Laboratory Corporation of America, LabCorp
Classification: Pathogenic for Neuromuscular disease caused by qualitative or quantitative defects of dystrophin. Last evaluated: 2023-04-06. Review status: criteria provided, single submitter. Criteria: LabCorp Variant Classification Summary - May 2015. Collection method: clinical testing. Allele origin: germline.
Comment: Variant summary: The variant identified by MLPA or other technology involves the duplication of exons 50-60 in the DMD gene. A presumed nomenclature of c.(7200+1_7201-1)_(9084+1_9085-1)dup has been designated for the purposes of this classification. It has been assumed that this is a tandem duplication in direct orientation (Richardson_GIM_2018, Newman_AJHG_2015). Although exact breakpoints of this duplication are not known, it is expected to result in a large in-frame duplication in the DMD gene. The variant was absent in 16120 control chromosomes (gnomAD, structural variant database). c.(7200+1_7201-1)_(9084+1_9085-1)dup has been reported in the literature in multiple individuals affected with Duchenne Muscular Dystrophy (e.g. Taylor_2007, Tuffery-Giraud_2009, Oshima_2009, Zhang_2013, Zimowski_2014, Zinina_2022). These data indicate that the variant is very likely to be associated with disease. To our knowledge, no experimental evidence demonstrating an impact on protein function has been reported. Two clinical diagnostic laboratories have submitted clinical-significance assessments for this variant to ClinVar after 2014. One laboratory classified the variant as pathogenic and the other laboratory classified the variant as uncertain significance. Based on the evidence outlined above, the variant was classified as pathogenic.

Literature cited by the submitters: PubMed 19367636; PubMed 25482253; PubMed 17259292; PubMed 19449031; PubMed 36361501; PubMed 8034300; PubMed 23680072.

NC_000023.10:g.(31366752_31462597)_(31838201_31854834)dup

Gene: DMD (dystrophin; minus strand). Cytogenetic location: Xp21.2-21.1.
Variant type: Duplication.
Identifiers: ClinVar variation 2504004 (VCV002504004.1).